The following is an entry in ClinVar:

ClinVar aggregate classification (germline): Uncertain significance (1 of 4 stars; one submission).

Conditions:
TTN-related disorder. Also called: TTN-related condition; TTN-related disease; TTN-related disorders.

gnomAD v4.1: 26 of 1,558,424 alleles (0.0017%); highest among the groups gnomAD compares: African/African-American, 0.011%; no homozygotes.

Submission:

PreventionGenetics, part of Exact Sciences
Classification: Uncertain significance for TTN-related condition. Last evaluated: 2026-09-02. Review status: criteria provided, single submitter. Criteria: ACMG Guidelines, 2015. Collection method: clinical testing. Allele origin: germline.
Comment: The TTN c.11341G>A variant is predicted to result in the amino acid substitution p.Glu3781Lys. To our knowledge, this variant has not been reported in the literature. This variant is reported in 0.025% of alleles in individuals of European (Finnish) descent in gnomAD. At this time, the clinical significance of this variant is uncertain due to the absence of conclusive functional and genetic evidence.

NM_001267550.2(TTN):c.11341G>A (p.Glu3781Lys)

Gene: TTN (titin; minus strand). Cytogenetic location: 2q31.2.
Variant type: single nucleotide variant.
Coding change: c.11341G>A on transcript NM_001267550.2 (MANE Select); coding-DNA position 11341, G replaced by A.
Protein change: p.Glu3781Lys; replaces glutamic acid 3781 with lysine.
Molecular consequence: missense variant. On other transcripts: intron variant (1).
Genome position (GRCh38, 1-based): chr2:178,741,892, C>T on the plus strand (G>A on the coding strand, the complement: TTN is on the minus strand). VCF-style: chr2-178741892-C-T. GRCh37 (hg19) VCF-style: chr2-179606619-C-T.
Other names: c.10390G>A, p.Glu3464Lys (NM_001256850.1); c.10252G>A, p.Glu3418Lys (NM_003319.4); c.10627G>A, p.Glu3543Lys (NM_133432.3); c.10828G>A, p.Glu3610Lys (NM_133437.4); c.10361-3532G>A (NM_133378.4); short protein forms E3418K, E3543K, E3781K, E3610K, E3464K.
Identifiers: ClinVar variation 4979011 (VCV004979011.1).
Genomic context (GRCh38, chr2:178,741,892, plus strand): 5'-AAAGTTCAAGTGTTTCATTTATTTTAGATAATTGAAGTTCGGCGCTATGAAGTCCTTCTT[C>T]CTCGGCAGACAGAAAAGAACTAGAAAACTCTGTATGGGGAAAAATGATTATTATTTTACT-3'
Protein context (NP_001254479.2, residues 3771-3791): EFSSSFLSAE[Glu3781Lys]EGLHSAELQL